The following is an entry in ClinVar:

NM_006660.5(CLPX):c.1807A>G (p.Ile603Val)

Gene: CLPX (caseinolytic mitochondrial matrix peptidase chaperone subunit X; minus strand). Cytogenetic location: 15q22.31.
Variant type: single nucleotide variant.
Coding change: c.1807A>G on transcript NM_006660.5 (MANE Select); coding-DNA position 1807, A replaced by G.
Protein change: p.Ile603Val; replaces isoleucine 603 with valine.
Molecular consequence: missense variant. On other transcripts: non-coding transcript variant (1).
Genome position (GRCh38, 1-based): chr15:65,152,434, T>C on the plus strand (A>G on the coding strand, the complement: CLPX is on the minus strand). VCF-style: chr15-65152434-T-C. GRCh37 (hg19) VCF-style: chr15-65444772-T-C.
Other names: short protein forms I603V.
Identifiers: ClinVar variation 3710864 (VCV003710864.2).

ClinVar aggregate classification (germline): Uncertain significance (1 of 4 stars; one submission).

Submission:

Labcorp Genetics (formerly Invitae), Labcorp
Classification: Uncertain significance. Last evaluated: 2024-12-12. Review status: criteria provided, single submitter. Criteria: Invitae Variant Classification Sherloc (09022015). Collection method: clinical testing. Allele origin: germline.
Comment: This sequence change replaces isoleucine, which is neutral and non-polar, with valine, which is neutral and non-polar, at codon 603 of the CLPX protein (p.Ile603Val). This variant is not present in population databases (gnomAD no frequency). This variant has not been reported in the literature in individuals affected with CLPX-related conditions. Invitae Evidence Modeling of protein sequence and biophysical properties (such as structural, functional, and spatial information, amino acid conservation, physicochemical variation, residue mobility, and thermodynamic stability) indicates that this missense variant is not expected to disrupt CLPX protein function with a negative predictive value of 80%. In summary, the available evidence is currently insufficient to determine the role of this variant in disease. Therefore, it has been classified as a Variant of Uncertain Significance.